The following is an entry in ClinVar:

NM_001134407.3(GRIN2A):c.4131G>C (p.Leu1377Phe)

Gene: GRIN2A (glutamate ionotropic receptor NMDA type subunit 2A; minus strand). Cytogenetic location: 16p13.2.
Variant type: single nucleotide variant.
Coding change: c.4131G>C on transcript NM_001134407.3 (MANE Select); coding-DNA position 4131, G replaced by C.
Protein change: p.Leu1377Phe; replaces leucine 1377 with phenylalanine.
Molecular consequence: missense variant.
Genome position (GRCh38, 1-based): chr16:9,763,413, C>G on the plus strand (G>C on the coding strand, the complement: GRIN2A is on the minus strand). VCF-style: chr16-9763413-C-G. GRCh37 (hg19) VCF-style: chr16-9857270-C-G.
Other names: c.4131G>C, p.Leu1377Phe (NM_000833.5); c.3788G>C, p.Trp1263Ser (NM_001134408.2); short protein forms L1377F, W1263S.
Identifiers: ClinVar variation 2880825 (VCV002880825.3), dbSNP rs773333556, ClinGen allele CA7896210.
Genomic context (GRCh38, chr16:9,763,413, plus strand): 5'-ATTCACCGCCTGGGATGGCAACGAGTGTTTGTAAGGGTCCGAGGGGCATCTCCCAATAAC[C>G]AAGCGTTGGTCATCCCTGTGGGAGTGGAGGAAAGGGTTATCGGAGGTGTGGTCTGGCAAG-3'
Protein context (NP_001127879.1, residues 1367-1387): FLHSHRDDQR[Leu1377Phe]VIGRCPSDPY

ClinVar aggregate classification (germline): Uncertain significance (1 of 4 stars; one submission).

Conditions:
Landau-Kleffner syndrome (FESD). Also called: EPILEPSY, FOCAL, WITH SPEECH DISORDER AND WITH OR WITHOUT MENTAL RETARDATION; APHASIA, ACQUIRED, WITH EPILEPSY. Identifiers: Orphanet 1945, Orphanet 725, Orphanet 98818, MedGen C0282512, MONDO:0009509, OMIM 245570.

Allele frequency attached by ClinVar (database versions not stated): gnomAD exomes below 0.00001; ExAC 0.00001; gnomAD 0.00001; TOPMed 0.00001.
gnomAD v4.1: 3 of 1,614,022 alleles (0.00019%); highest among the groups gnomAD compares: African/African-American, 0.004%; no homozygotes.

Submission:

Labcorp Genetics (formerly Invitae), Labcorp
Classification: Uncertain significance for Landau-Kleffner syndrome. Last evaluated: 2025-09-16. Review status: criteria provided, single submitter. Criteria: Invitae Variant Classification Sherloc (09022015). Collection method: clinical testing. Allele origin: germline.
Comment: This sequence change replaces leucine, which is neutral and non-polar, with phenylalanine, which is neutral and non-polar, at codon 1377 of the GRIN2A protein (p.Leu1377Phe). This variant is present in population databases (rs773333556, gnomAD 0.007%). This variant has not been reported in the literature in individuals affected with GRIN2A-related conditions. ClinVar contains an entry for this variant (Variation ID: 2880825). Invitae Evidence Modeling of protein sequence and biophysical properties (such as structural, functional, and spatial information, amino acid conservation, physicochemical variation, residue mobility, and thermodynamic stability) has been performed for this missense variant. However, the output from this modeling did not meet the statistical confidence thresholds required to predict the impact of this variant on GRIN2A protein function. In summary, the available evidence is currently insufficient to determine the role of this variant in disease. Therefore, it has been classified as a Variant of Uncertain Significance.